The following is an entry in ClinVar:

NM_000051.4(ATM):c.2484G>T (p.Lys828Asn)

Gene: ATM (ATM serine/threonine kinase; plus strand). Cytogenetic location: 11q22.3.
Variant type: single nucleotide variant.
Coding change: c.2484G>T on transcript NM_000051.4 (MANE Select); coding-DNA position 2484, G replaced by T.
Protein change: p.Lys828Asn; replaces lysine 828 with asparagine.
Molecular consequence: missense variant.
Genome position (GRCh38, 1-based): chr11:108,267,188, G>T. VCF-style: chr11-108267188-G-T. GRCh37 (hg19) VCF-style: chr11-108137915-G-T.
Other names: c.2484G>T, p.Lys828Asn (NM_001351834.2); short protein forms K828N.
Identifiers: ClinVar variation 2834021 (VCV002834021.3), dbSNP rs2135505492, ClinGen allele CA382543220.
Genomic context (GRCh38, chr11:108,267,188, plus strand): 5'-TGCAAGAAGCCATCTTGAACATCTTTGTTTCTCTTCCTTGAAGGCATCCTTCATCAAAAA[G>T]CCATTTGACCGTGGAGAAGTAGAATCAATGGAAGATGATACTAATGGAAATCTAATGGAG-3'
Protein context (NP_000042.3, residues 818-838): ICKSLASFIK[Lys828Asn]PFDRGEVESM

ClinVar aggregate classification (germline): Uncertain significance (1 of 4 stars; one submission).

Conditions:
Ataxia-telangiectasia syndrome (AT). Also called: LOUIS-BAR SYNDROME; Ataxia-telangiectasia, complementation group D; ATAXIA-TELANGIECTASIA, COMPLEMENTATION GROUP A; ATAXIA-TELANGIECTASIA, FRESNO VARIANT; Ataxia-telangiectasia; Ataxia telangiectasia (A-T). Identifiers: Orphanet 100, MedGen C0004135, MONDO:0008840, OMIM 208900.

Submission:

Labcorp Genetics (formerly Invitae), Labcorp
Classification: Uncertain significance for Ataxia-telangiectasia syndrome. Last evaluated: 2024-02-19. Review status: criteria provided, single submitter. Criteria: Invitae Variant Classification Sherloc (09022015). Collection method: clinical testing. Allele origin: germline.
Comment: This sequence change replaces lysine, which is basic and polar, with asparagine, which is neutral and polar, at codon 828 of the ATM protein (p.Lys828Asn). This variant is not present in population databases (gnomAD no frequency). This variant has not been reported in the literature in individuals affected with ATM-related conditions. An algorithm developed to predict the effect of missense changes on protein structure and function (PolyPhen-2) suggests that this variant is likely to be tolerated. In summary, the available evidence is currently insufficient to determine the role of this variant in disease. Therefore, it has been classified as a Variant of Uncertain Significance.